The following is an entry in ClinVar:

ClinVar aggregate classification (germline): Likely pathogenic. Review status: criteria provided, multiple submitters, no conflicts (2 of 4 stars). 2 submissions from 2 submitters: Likely pathogenic (2). Last evaluated 2026-03-03.

Conditions:
Rotor syndrome (HBLRR). Also called: HYPERBILIRUBINEMIA, ROTOR TYPE, DIGENIC; HYPERBILIRUBINEMIA, ROTOR TYPE. Identifiers: Orphanet 3111, MedGen C0220991, MONDO:0009379, OMIM 237450.

gnomAD v4.1: 63 of 1,611,714 alleles (0.0039%); highest among the groups gnomAD compares: South Asian, 0.068%; no homozygotes.

Submissions (2):

Institute for Human Genetics, University Hospital Essen
Classification: Likely pathogenic for Rotor syndrome. Last evaluated: 2026-03-03. Review status: criteria provided, single submitter. Criteria: ACMG Guidelines, 2015. Collection method: clinical testing. Allele origin: unknown. Affected: yes. Observed: 1 variant allele.
Comment: The alteration c.226+1G>A affects the consensus splice-site at the exon/intron junction 3. splicing effect preserves reading frame. Role of region in protein function is unknown (the variant is not within a domain harboring pathogenic variants). LoF variants in this exon are not frequent in the general population and exon is present in biologically relevant transcript(s). Variant removes 89.11% (>=10%) of the protein (PVS1_str), Allele frequency for this variant 6.85e-4 is lower than gene-level threshold 4.00e-3 (PM2_sup), The variant was detected in a patient with a phenotype highly specific for a disease (PP4)

Department of Pathology and Laboratory Medicine, Sinai Health System
Classification: Likely pathogenic for Rotor syndrome. Last evaluated: 2023-07-10. Review status: criteria provided, single submitter. Criteria: ACMG Guidelines, 2015. Collection method: research. Allele origin: germline.

NM_006446.5(SLCO1B1):c.226+1G>A

Gene: SLCO1B1 (solute carrier organic anion transporter family member 1B1; plus strand). Cytogenetic location: 12p12.1.
Variant type: single nucleotide variant.
Coding change: c.226+1G>A on transcript NM_006446.5 (MANE Select); the canonical splice donor site of the intron after coding-DNA position 226, G replaced by A.
Molecular consequence: splice donor variant.
Genome position (GRCh38, 1-based): chr12:21,172,792, G>A. VCF-style: chr12-21172792-G-A. GRCh37 (hg19) VCF-style: chr12-21325726-G-A.
Identifiers: ClinVar variation 3780639 (VCV003780639.2).